The following is an entry in ClinVar:

NM_002519.3(NPAT):c.3088A>G (p.Lys1030Glu)

Gene: NPAT (nuclear protein, coactivator of histone transcription; minus strand). Cytogenetic location: 11q22.3.
Variant type: single nucleotide variant.
Coding change: c.3088A>G on transcript NM_002519.3 (MANE Select); coding-DNA position 3088, A replaced by G.
Protein change: p.Lys1030Glu; replaces lysine 1030 with glutamic acid.
Molecular consequence: missense variant.
Genome position (GRCh38, 1-based): chr11:108,161,998, T>C on the plus strand (A>G on the coding strand, the complement: NPAT is on the minus strand). VCF-style: chr11-108161998-T-C. GRCh37 (hg19) VCF-style: chr11-108032725-T-C.
Other names: c.3109A>G, p.Lys1037Glu (NM_001321307.1); short protein forms K1030E, K1037E.
Identifiers: ClinVar variation 1338706 (VCV001338706.9), dbSNP rs770282833, ClinGen allele CA6263647.
Genomic context (GRCh38, chr11:108,161,998, plus strand): 5'-CTTCTGGGAAGGGAACTGTGGTTTCTTCTGATTTTTTCCCAAGATCTGTGGCAATACTTT[T>C]GTCAGAAACTTCAGTTCTAAAACAAAACAAAACAAAACTATTTCTAGCAGCATAAAGAAA-3'
Protein context (NP_002510.2, residues 1020-1040): CHAQKTEVSD[Lys1030Glu]SIATDLGKKS

ClinVar aggregate classification (germline): Uncertain significance. Review status: criteria provided, multiple submitters, no conflicts (2 of 4 stars). 3 submissions from 3 submitters: Uncertain significance (3). Last evaluated 2025-08-26.

Allele frequency attached by ClinVar (database versions not stated): gnomAD 0.00002; gnomAD exomes 0.00002; TOPMed 0.00002; ExAC 0.00003.
gnomAD v4.1: 82 of 1,608,704 alleles (0.0051%); highest among the groups gnomAD compares: Non-Finnish European, 0.006%; no homozygotes.

Submissions (3):

Labcorp Genetics (formerly Invitae), Labcorp
Classification: Uncertain significance. Last evaluated: 2025-08-26. Review status: criteria provided, single submitter. Criteria: Invitae Variant Classification Sherloc (09022015). Collection method: clinical testing. Allele origin: germline.
Comment: This sequence change replaces lysine, which is basic and polar, with glutamic acid, which is acidic and polar, at codon 1030 of the NPAT protein (p.Lys1030Glu). This variant is present in population databases (rs770282833, gnomAD 0.004%). This variant has not been reported in the literature in individuals affected with NPAT-related conditions. ClinVar contains an entry for this variant (Variation ID: 1338706). An algorithm developed to predict the effect of missense changes on protein structure and function (PolyPhen-2) suggests that this variant is likely to be disruptive. In summary, the available evidence is currently insufficient to determine the role of this variant in disease. Therefore, it has been classified as a Variant of Uncertain Significance.

Ambry Genetics
Classification: Uncertain significance. Last evaluated: 2023-01-28. Review status: criteria provided, single submitter. Criteria: Ambry Variant Classification Scheme 2023. Collection method: clinical testing. Allele origin: germline.
Comment: The p.K1030E variant (also known as c.3088A>G), located in coding exon 17 of the NPAT gene, results from an A to G substitution at nucleotide position 3088. The lysine at codon 1030 is replaced by glutamic acid, an amino acid with similar properties. This amino acid position is conserved. In addition, this alteration is predicted to be tolerated by in silico analysis. Since supporting evidence is limited at this time, the clinical significance of this alteration remains unclear.

Genetic Services Laboratory, University of Chicago
Classification: Uncertain significance. Last evaluated: 2021-09-21. Review status: criteria provided, single submitter. Criteria: ACMG Guidelines, 2015. Collection method: clinical testing. Allele origin: germline. Affected: no.
Comment: This sequence change does not appear to have been previously described in patients with NPAT-related disorders and has been described in the gnomAD database with a low population frequency of 0.0047% in the non-Finnish subpopulation (dbSNP rs770282833). The p.Lys1030Glu change affects a highly conserved amino acid residue located in a domain of the NPAT protein that is not known to be functional. In-silico pathogenicity prediction tools (SIFT, PolyPhen2, Align GVGD, REVEL) provide contradictory results for the p.Lys1030Glu substitution. Due to this insufficient evidence and the lack of functional studies, the clinical significance of the p.Lys1030Glu change remains unknown at this time.